The following is an entry in ClinVar:

NM_032776.3(JMJD1C):c.803A>T (p.Gln268Leu)

Gene: JMJD1C (jumonji domain containing 1C; minus strand). Cytogenetic location: 10q21.3.
Variant type: single nucleotide variant.
Coding change: c.803A>T on transcript NM_032776.3 (MANE Select); coding-DNA position 803, A replaced by T.
Protein change: p.Gln268Leu; replaces glutamine 268 with leucine.
Molecular consequence: missense variant. On other transcripts: 5 prime UTR variant (1), non-coding transcript variant (1).
Genome position (GRCh38, 1-based): chr10:63,215,572, T>A on the plus strand (A>T on the coding strand, the complement: JMJD1C is on the minus strand). VCF-style: chr10-63215572-T-A. GRCh37 (hg19) VCF-style: chr10-64975332-T-A.
Other names: c.257A>T, p.Gln86Leu (NM_001282948.2, NM_001318154.2); c.-66A>T (NM_001318153.2); c.689A>T, p.Gln230Leu (NM_001322252.2); c.146A>T, p.Gln49Leu (NM_001322254.2, NM_001322258.2); short protein forms Q230L, Q268L, Q49L, Q86L.
Identifiers: ClinVar variation 1008857 (VCV001008857.10), dbSNP rs757837342, ClinGen allele CA5518954.
Genomic context (GRCh38, chr10:63,215,572, plus strand): 5'-AAAAATATTTTACAGAAATTCATCCCTAATAACATACATACGTGAACAGCGTTGACGTTT[T>A]GATTGGCACGAGACCTGCGTCGTGATGTAATGCCAATATTTTCACCTTTTAACAAAGAGT-3'
Protein context (NP_116165.1, residues 258-278): ITSRRRSRAN[Gln268Leu]NVNAVHSHYT

ClinVar aggregate classification (germline): Uncertain significance. Review status: criteria provided, multiple submitters, no conflicts (2 of 4 stars). 2 submissions from 2 submitters: Uncertain significance (2). Last evaluated 2022-12-17.

Conditions:
Early Myoclonic Encephalopathy. Identifiers: MedGen C0270855.

Allele frequency attached by ClinVar (database versions not stated): gnomAD below 0.00001 and 0.00001.
gnomAD v4.1: 46 of 1,609,870 alleles (0.0029%); highest among the groups gnomAD compares: South Asian, 0.044%; 1 homozygote.

Submissions (2):

Dubai Health Genomic Medicine Center, Dubai Health
Classification: Uncertain significance. Last evaluated: 2022-12-17. Review status: criteria provided, single submitter. Criteria: ACMG Guidelines, 2015. Collection method: clinical testing. Allele origin: germline. Affected: yes.

Labcorp Genetics (formerly Invitae), Labcorp
Classification: Uncertain significance for Early Myoclonic Encephalopathy. Last evaluated: 2020-04-27. Review status: criteria provided, single submitter. Criteria: Invitae Variant Classification Sherloc (09022015). Collection method: clinical testing. Allele origin: germline.
Comment: Algorithms developed to predict the effect of missense changes on protein structure and function do not agree on the potential impact of this missense change (SIFT: "Deleterious"; PolyPhen-2: "Benign"; Align-GVGD: "Class C0"). In summary, the available evidence is currently insufficient to determine the role of this variant in disease. Therefore, it has been classified as a Variant of Uncertain Significance. This variant has not been reported in the literature in individuals with JMJD1C-related disease. This variant is present in population databases (rs757837342, ExAC 0.03%). This sequence change replaces glutamine with leucine at codon 268 of the JMJD1C protein (p.Gln268Leu). The glutamine residue is weakly conserved and there is a moderate physicochemical difference between glutamine and leucine.